The following is an entry in ClinVar:

ClinVar aggregate classification (germline): Uncertain significance (1 of 4 stars; one submission).

Conditions:
Nephronophthisis 14 (NPHP14). Identifiers: Orphanet 2318, MedGen C3539071, MONDO:0013916, OMIM 614844.

Submission:

Labcorp Genetics (formerly Invitae), Labcorp
Classification: Uncertain significance for Nephronophthisis 14. Last evaluated: 2025-04-28. Review status: criteria provided, single submitter. Criteria: Invitae Variant Classification Sherloc (09022015). Collection method: clinical testing. Allele origin: germline.
Comment: This sequence change replaces serine, which is neutral and polar, with phenylalanine, which is neutral and non-polar, at codon 350 of the ZNF423 protein (p.Ser350Phe). This variant is not present in population databases (gnomAD no frequency). This variant has not been reported in the literature in individuals affected with ZNF423-related conditions. ClinVar contains an entry for this variant (Variation ID: 1036740). Invitae Evidence Modeling of protein sequence and biophysical properties (such as structural, functional, and spatial information, amino acid conservation, physicochemical variation, residue mobility, and thermodynamic stability) indicates that this missense variant is not expected to disrupt ZNF423 protein function with a negative predictive value of 80%. In summary, the available evidence is currently insufficient to determine the role of this variant in disease. Therefore, it has been classified as a Variant of Uncertain Significance.

NM_001379286.1(ZNF423):c.1073C>T (p.Ser358Phe)

Gene: ZNF423 (zinc finger protein 423; minus strand). Cytogenetic location: 16q12.1.
Variant type: single nucleotide variant.
Coding change: c.1073C>T on transcript NM_001379286.1 (MANE Select); coding-DNA position 1073, C replaced by T.
Protein change: p.Ser358Phe; replaces serine 358 with phenylalanine.
Molecular consequence: missense variant.
Genome position (GRCh38, 1-based): chr16:49,638,103, G>A on the plus strand (C>T on the coding strand, the complement: ZNF423 is on the minus strand). VCF-style: chr16-49638103-G-A. GRCh37 (hg19) VCF-style: chr16-49672014-G-A.
Other names: c.869C>T, p.Ser290Phe (NM_001271620.2); c.698C>T, p.Ser233Phe (NM_001330533.2); c.1049C>T, p.Ser350Phe (NM_015069.5); short protein forms S350F, S358F, S233F, S290F.
Identifiers: ClinVar variation 1036740 (VCV001036740.8), dbSNP rs1972818404, ClinGen allele CA395850380.
Genomic context (GRCh38, chr16:49,638,103, plus strand): 5'-GCGCTGCTCATGGAGGCCACGCTGCCCAGTACAGGGTCGGGACTGACACTGTGGTTGCTG[G>A]AGTCGGGCTGCCGGTGGCTGTCCAGGTGGCAGTAGACACCTTCCACTGAGGAGAACTGCT-3'
Protein context (NP_001366215.1, residues 348-368): CHLDSHRQPD[Ser358Phe]SNHSVSPDPV